The following is an entry in ClinVar:

ClinVar aggregate classification (germline): Benign/Likely benign. Review status: criteria provided, multiple submitters, no conflicts (2 of 4 stars). 8 submissions from 8 submitters: Benign (3); Likely benign (4). 1 of the submissions does not count toward it. Last evaluated 2026-07-01.

Conditions:
ALG1-related disorder. Also called: ALG1-related condition.
ALG1-congenital disorder of glycosylation. Also called: ALG1-CDG; CDG Ik; CONGENITAL DISORDER OF GLYCOSYLATION, TYPE Ik. Identifiers: Orphanet 79327, MedGen C2931005, MONDO:0012052, OMIM 608540.

Allele frequency attached by ClinVar (database versions not stated): gnomAD 0.00467 and 0.00446; ESP Exome Variant Server 0.00647; gnomAD exomes 0.00751 and 0.00436; 1000 Genomes Project 0.00160; 1000 Genomes Project 30x 0.00187; ExAC 0.00442; TOPMed 0.00444.
gnomAD v4.1: 11,481 of 1,611,954 alleles (0.71%); highest among the groups gnomAD compares: Non-Finnish European, 0.92%; 52 homozygotes.

Submissions (8):

CeGaT Center for Human Genetics Tuebingen
Classification: Likely benign. Last evaluated: 2026-07-01. Review status: criteria provided, single submitter. Criteria: CeGaT Center For Human Genetics Tuebingen Variant Classification Criteria Version 2. Collection method: clinical testing. Allele origin: germline. Affected: yes. Observed: 8 variant alleles.
Comment: ALG1: BP4, BP7, BS2

Labcorp Genetics (formerly Invitae), Labcorp
Classification: Benign for ALG1-congenital disorder of glycosylation. Last evaluated: 2026-02-04. Review status: criteria provided, single submitter. Criteria: Invitae Variant Classification Sherloc (09022015). Collection method: clinical testing. Allele origin: germline.

Mayo Clinic Laboratories, Mayo Clinic
Classification: Likely benign. Last evaluated: 2025-09-12. Review status: criteria provided, single submitter. Criteria: ACMG Guidelines, 2015. Collection method: clinical testing. Allele origin: germline. Observed: 4 variant alleles.
Comment: BS1, BP4, BP7

ARUP Laboratories, Molecular Genetics and Genomics, ARUP Laboratories
Classification: Benign for ALG1-congenital disorder of glycosylation. Last evaluated: 2025-04-16. Review status: criteria provided, single submitter. Criteria: ARUP Molecular Germline Variant Investigation Process 2024. Collection method: clinical testing. Allele origin: germline.

Fulgent Genetics
Classification: Benign for ALG1-congenital disorder of glycosylation. Last evaluated: 2021-08-05. Review status: criteria provided, single submitter. Criteria: ACMG Guidelines, 2015. Collection method: clinical testing. Allele origin: unknown.

GeneDx
Classification: Likely benign. Last evaluated: 2018-01-16. Review status: criteria provided, single submitter. Criteria: GeneDx Variant Classification (06012015). Collection method: clinical testing. Allele origin: germline. Affected: yes.
Comment: This variant is considered likely benign or benign based on one or more of the following criteria: it is a conservative change, it occurs at a poorly conserved position in the protein, it is predicted to be benign by multiple in silico algorithms, and/or has population frequency not consistent with disease.

Breakthrough Genomics
Classification: Likely benign. Review status: criteria provided, single submitter. Criteria: ACMG Guidelines, 2015. Collection method: not provided. Allele origin: germline. Inheritance: Autosomal recessive inheritance. Affected: yes.

PreventionGenetics, part of Exact Sciences
Classification: Benign for ALG1-related condition. Last evaluated: 2024-03-27. Review status: no assertion criteria provided. Collection method: clinical testing. Allele origin: germline. Not counted in ClinVar's aggregate classification.
Comment: This variant is classified as benign based on ACMG/AMP sequence variant interpretation guidelines (Richards et al. 2015 PMID: 25741868, with internal and published modifications).

NM_019109.5(ALG1):c.1080G>A (p.Ala360=)

Gene: ALG1 (ALG1 chitobiosyldiphosphodolichol beta-mannosyltransferase; plus strand). Cytogenetic location: 16p13.3.
Variant type: single nucleotide variant.
Coding change: c.1080G>A on transcript NM_019109.5 (MANE Select); coding-DNA position 1080, G replaced by A.
Protein change: p.Ala360=; no amino-acid change (alanine 360 retained).
Molecular consequence: synonymous variant.
Genome position (GRCh38, 1-based): chr16:5,082,566, G>A. VCF-style: chr16-5082566-G-A. GRCh37 (hg19) VCF-style: chr16-5132567-G-A.
Other names: p.Ala360=; c.747G>A, p.Ala249= (NM_001330504.2).
Identifiers: ClinVar variation 381171 (VCV000381171.49), dbSNP rs143939207, ClinGen allele CA7890222.